The following is an entry in ClinVar:

NM_005026.5(PIK3CD):c.1035C>T (p.Ala345=)

Genes: PIK3CD (phosphatidylinositol-4,5-bisphosphate 3-kinase catalytic subunit delta; plus strand), LOC126805612 (MED14-independent group 3 enhancer GRCh37_chr1:9778914-9780113; plus strand). Cytogenetic location: 1p36.22.
Variant type: single nucleotide variant.
Coding change: c.1035C>T on transcript NM_005026.5 (MANE Select); coding-DNA position 1035, C replaced by T.
Protein change: p.Ala345=; no amino-acid change (alanine 345 retained).
Molecular consequence: synonymous variant.
Genome position (GRCh38, 1-based): chr1:9,718,708, C>T. VCF-style: chr1-9718708-C-T. GRCh37 (hg19) VCF-style: chr1-9778766-C-T.
Other names: p.Ala345=; c.1035C>T, p.Ala345= (NM_001350234.2); c.948C>T, p.Ala316= (NM_001350235.1).
Identifiers: ClinVar variation 787204 (VCV000787204.45), dbSNP rs28730672, ClinGen allele CA577079.

ClinVar aggregate classification (germline): Benign/Likely benign. Review status: criteria provided, multiple submitters, no conflicts (2 of 4 stars). 5 submissions from 5 submitters: Benign (2); Likely benign (2). 1 of the submissions does not count toward it. Last evaluated 2026-01-12.

Conditions:
PIK3CD-related disorder. Also called: PIK3CD-related condition.
Immunodeficiency 14 (IMD14A). Also called: ACTIVATED PI3K-DELTA SYNDROME 1; Activated PI3K Delta Syndrome Type 1 (APDS1); p110-DELTA-ACTIVATING MUTATION CAUSING SENESCENT T CELLS, LYMPHADENOPATHY, AND IMMUNODEFICIENCY; IMMUNODEFICIENCY 14A WITH LYMPHOPROLIFERATION, AUTOSOMAL DOMINANT. Identifiers: Orphanet 397596, Orphanet 693661, MedGen C5907821, MONDO:0014222, OMIM 615513.

Allele frequency attached by ClinVar (database versions not stated): gnomAD exomes 0.00039 and 0.00089; ExAC 0.00104; gnomAD 0.00338 and 0.00360; ESP Exome Variant Server 0.00384; TOPMed 0.00384; 1000 Genomes Project 0.00459; 1000 Genomes Project 30x 0.00500.
gnomAD v4.1: 1,094 of 1,604,338 alleles (0.068%); highest among the groups gnomAD compares: African/African-American, 1.3%; 8 homozygotes.

Submissions (5):

Labcorp Genetics (formerly Invitae), Labcorp
Classification: Benign for Activated PI3K-delta syndrome. Last evaluated: 2026-01-12. Review status: criteria provided, single submitter. Criteria: Invitae Variant Classification Sherloc (09022015). Collection method: clinical testing. Allele origin: germline.

Mayo Clinic Laboratories, Mayo Clinic
Classification: Likely benign. Last evaluated: 2025-06-24. Review status: criteria provided, single submitter. Criteria: ACMG Guidelines, 2015. Collection method: clinical testing. Allele origin: germline. Observed: 1 variant allele.
Comment: BS1, BP4, BP7

Blueprint Genetics
Classification: Likely benign. Last evaluated: 2024-11-15. Review status: criteria provided, single submitter. Criteria: ACMG Guidelines, 2015. Collection method: clinical testing. Allele origin: germline.

CeGaT Center for Human Genetics Tuebingen
Classification: Benign. Last evaluated: 2022-06-01. Review status: criteria provided, single submitter. Criteria: CeGaT Center For Human Genetics Tuebingen Variant Classification Criteria Version 2. Collection method: clinical testing. Allele origin: germline. Affected: yes. Observed: 1 variant allele.
Comment: PIK3CD: BP4, BP7, BS1, BS2

PreventionGenetics, part of Exact Sciences
Classification: Benign for PIK3CD-related condition. Last evaluated: 2019-07-08. Review status: no assertion criteria provided. Collection method: clinical testing. Allele origin: germline. Not counted in ClinVar's aggregate classification.
Comment: This variant is classified as benign based on ACMG/AMP sequence variant interpretation guidelines (Richards et al. 2015 PMID: 25741868, with internal and published modifications).